The following is an entry in ClinVar:

ClinVar aggregate classification (germline): Uncertain significance. Review status: criteria provided, multiple submitters, no conflicts (2 of 4 stars). 3 submissions from 3 submitters: Uncertain significance (2). 1 of the submissions does not count toward it. Last evaluated 2024-06-23.

Conditions:
TERC-related disorder. Also called: TERC-related condition.
Dyskeratosis congenita, autosomal dominant 1 (DKCA1). Also called: Dyskeratosis congenita Scoggins type. Identifiers: Orphanet 1775, MedGen C4551974, MONDO:0007485, OMIM 127550. Inheritance: Variable.

Submissions (3):

Labcorp Genetics (formerly Invitae), Labcorp
Classification: Uncertain significance for Dyskeratosis congenita, autosomal dominant 1. Last evaluated: 2024-06-23. Review status: criteria provided, single submitter. Criteria: Invitae Variant Classification Sherloc (09022015). Collection method: clinical testing. Allele origin: germline.
Comment: This variant occurs in the TERC gene, which encodes an RNA molecule that does not result in a protein product. This variant is not present in population databases (gnomAD no frequency). This variant has not been reported in the literature in individuals affected with TERC-related conditions. ClinVar contains an entry for this variant (Variation ID: 570713). This variant is located within the BoxH/ACA scaRNA domain of the TERC RNA component, which is required for telomerase activity (PMID: 21844345). In summary, the available evidence is currently insufficient to determine the role of this variant in disease. Therefore, it has been classified as a Variant of Uncertain Significance.

Mayo Clinic Laboratories, Mayo Clinic
Classification: Uncertain significance. Last evaluated: 2019-09-30. Review status: criteria provided, single submitter. Criteria: ACMG Guidelines, 2015. Collection method: clinical testing. Allele origin: germline. Observed: 1 variant allele.

PreventionGenetics, part of Exact Sciences
Classification: Uncertain significance for TERC-related condition. Last evaluated: 2024-07-03. Review status: no assertion criteria provided. Collection method: clinical testing. Allele origin: germline. Not counted in ClinVar's aggregate classification.
Comment: The TERC n.391C>T is a noncoding alteration. To our knowledge, this variant has not been reported in the literature or in a large population database, indicating this variant is rare. At this time, the clinical significance of this variant is uncertain due to the absence of conclusive functional and genetic evidence.

Literature cited by the submitters: PubMed 21844345 (cited by Labcorp Genetics (formerly Invitae), Labcorp).

NR_001566.3(TERC):n.391C>T

Gene: TERC (telomerase RNA component; minus strand). Cytogenetic location: 3q26.2.
Variant type: single nucleotide variant.
Genome position: GRCh38 VCF-style: chr3-169764670-G-A. GRCh37 (hg19) VCF-style: chr3-169482458-G-A.
Identifiers: ClinVar variation 570713 (VCV000570713.14), dbSNP rs1046452760, ClinGen allele CA87623739.